The following is an entry in ClinVar:

ClinVar aggregate classification (germline): Uncertain significance. Review status: criteria provided, multiple submitters, no conflicts (2 of 4 stars). 2 submissions from 2 submitters: Uncertain significance (2). Last evaluated 2024-10-17.

Conditions:
Inborn genetic diseases. Identifiers: MedGen C0950123, MeSH D030342.
Bailey-Bloch congenital myopathy (CMYO13). Also called: Native American myopathy; STAC3 disorder; Congenital myopathy 13. Identifiers: Orphanet 168572, MedGen C1850625, MONDO:0009722, OMIM 255995.

Allele frequency attached by ClinVar (database versions not stated): ExAC 0.00005; gnomAD exomes 0.00006 and 0.00008; gnomAD 0.00010 and 0.00012; ESP Exome Variant Server 0.00015; TOPMed 0.00016.

Submissions (2):

Labcorp Genetics (formerly Invitae), Labcorp
Classification: Uncertain significance for Bailey-Bloch congenital myopathy. Last evaluated: 2024-10-17. Review status: criteria provided, single submitter. Criteria: Invitae Variant Classification Sherloc (09022015). Collection method: clinical testing. Allele origin: germline.
Comment: This sequence change replaces arginine, which is basic and polar, with histidine, which is basic and polar, at codon 321 of the STAC3 protein (p.Arg321His). This variant is present in population databases (rs370840978, gnomAD 0.02%). This variant has not been reported in the literature in individuals affected with STAC3-related conditions. ClinVar contains an entry for this variant (Variation ID: 952210). Invitae Evidence Modeling of protein sequence and biophysical properties (such as structural, functional, and spatial information, amino acid conservation, physicochemical variation, residue mobility, and thermodynamic stability) indicates that this missense variant is not expected to disrupt STAC3 protein function with a negative predictive value of 80%. In summary, the available evidence is currently insufficient to determine the role of this variant in disease. Therefore, it has been classified as a Variant of Uncertain Significance.

Ambry Genetics
Classification: Uncertain significance for Inborn genetic diseases. Last evaluated: 2024-08-29. Review status: criteria provided, single submitter. Criteria: Ambry Variant Classification Scheme 2023. Collection method: clinical testing. Allele origin: germline.

NM_145064.3(STAC3):c.962G>A (p.Arg321His)

Gene: STAC3 (SH3 and cysteine rich domain 3; minus strand). Cytogenetic location: 12q13.3.
Variant type: single nucleotide variant.
Coding change: c.962G>A on transcript NM_145064.3 (MANE Select); coding-DNA position 962, G replaced by A.
Protein change: p.Arg321His; replaces arginine 321 with histidine.
Molecular consequence: missense variant. On other transcripts: non-coding transcript variant (1).
Genome position (GRCh38, 1-based): chr12:57,244,122, C>T on the plus strand (G>A on the coding strand, the complement: STAC3 is on the minus strand). VCF-style: chr12-57244122-C-T. GRCh37 (hg19) VCF-style: chr12-57637905-C-T.
Other names: c.845G>A, p.Arg282His (NM_001286256.2); c.404G>A, p.Arg135His (NM_001286257.2); c.962G>A (NM_145064.1); short protein forms R321H, R135H, R282H.
Identifiers: ClinVar variation 952210 (VCV000952210.9), dbSNP rs370840978, ClinGen allele CA6646949.